The following is an entry in ClinVar:

NM_001908.5(CTSB):c.954C>G (p.His318Gln)

Gene: CTSB (cathepsin B). Cytogenetic location: 8p23.1.
Variant type: single nucleotide variant.
Coding change: c.954C>G on transcript NM_001908.5 (MANE Select); coding-DNA position 954, C replaced by G.
Protein change: p.His318Gln; replaces histidine 318 with glutamine.
Molecular consequence: missense variant.
Genome position (GRCh38, 1-based): chr8:11,845,191, G>C on the plus strand (C>G on the coding strand, the complement: CTSB is on the minus strand). VCF-style: chr8-11845191-G-C. GRCh37 (hg19) VCF-style: chr8-11702700-G-C.
Other names: c.582C>G, p.His194Gln (NM_001317237.2); c.954C>G, p.His318Gln (NM_001384714.1, NM_001384723.1, NM_001384724.1 and 8 more transcripts); short protein forms H318Q, H194Q.
Identifiers: ClinVar variation 1932079 (VCV001932079.5), dbSNP rs201650067, ClinGen allele CA4632343.

ClinVar aggregate classification (germline): Uncertain significance (1 of 4 stars; one submission).

Submission:

Labcorp Genetics (formerly Invitae), Labcorp
Classification: Uncertain significance. Last evaluated: 2022-11-01. Review status: criteria provided, single submitter. Criteria: Invitae Variant Classification Sherloc (09022015). Collection method: clinical testing. Allele origin: germline.
Comment: This sequence change replaces histidine, which is basic and polar, with glutamine, which is neutral and polar, at codon 318 of the CTSB protein (p.His318Gln). This variant is present in population databases (rs201650067, gnomAD 0.007%), including at least one homozygous and/or hemizygous individual. This variant has not been reported in the literature in individuals affected with CTSB-related conditions. Algorithms developed to predict the effect of missense changes on protein structure and function are either unavailable or do not agree on the potential impact of this missense change (SIFT: "Not Available"; PolyPhen-2: "Possibly Damaging"; Align-GVGD: "Not Available"). In summary, the available evidence is currently insufficient to determine the role of this variant in disease. Therefore, it has been classified as a Variant of Uncertain Significance.